The following is an entry in ClinVar:

NM_012469.4(PRPF6):c.777del (p.Asp260fs)

Gene: PRPF6 (pre-mRNA processing factor 6; plus strand). Cytogenetic location: 20q13.33.
Variant type: Deletion.
Coding change: c.777del on transcript NM_012469.4 (MANE Select); coding-DNA position 777, one base deleted (T; older notation c.777delT).
Protein change: p.Asp260fs; shifts the reading frame from aspartic acid 260.
Molecular consequence: frameshift variant.
Genome position (GRCh38, 1-based): chr20:63,999,050, T deleted. VCF-style (leftmost placement, unchanged base first): chr20-63999049-CT-C. GRCh37 (hg19) VCF-style: chr20-62630402-CT-C.
Other names: short protein forms D260fs.
Identifiers: ClinVar variation 837487 (VCV000837487.9), dbSNP rs1358263870, ClinGen allele CA636378222.

ClinVar aggregate classification (germline): Uncertain significance (1 of 4 stars; one submission).

Allele frequency attached by ClinVar (database versions not stated): gnomAD exomes below 0.00001; TOPMed 0.00001.

Submission:

Labcorp Genetics (formerly Invitae), Labcorp
Classification: Uncertain significance. Last evaluated: 2019-12-27. Review status: criteria provided, single submitter. Criteria: Invitae Variant Classification Sherloc (09022015). Collection method: clinical testing. Allele origin: germline.
Comment: In summary, the available evidence is currently insufficient to determine the role of this variant in disease. Therefore, it has been classified as a Variant of Uncertain Significance. The current clinical and genetic evidence is not sufficient to establish whether loss-of-function variants in PRPF6 cause disease. This variant has not been reported in the literature in individuals with PRPF6-related conditions. This variant is not present in population databases (ExAC no frequency). This sequence change creates a premature translational stop signal (p.Asp260Thrfs*3) in the PRPF6 gene. It is expected to result in an absent or disrupted protein product.